The following is an entry in ClinVar:

ClinVar aggregate classification (germline): Uncertain significance (1 of 4 stars; one submission).

Allele frequency attached by ClinVar (database versions not stated): gnomAD exomes below 0.00001; ExAC 0.00001; gnomAD 0.00001; TOPMed 0.00001; ESP Exome Variant Server 0.00015.
gnomAD v4.1: 3 of 1,613,980 alleles (0.00019%); highest among the groups gnomAD compares: Non-Finnish European, 0.00025%; no homozygotes.

Submission:

Labcorp Genetics (formerly Invitae), Labcorp
Classification: Uncertain significance. Last evaluated: 2022-01-02. Review status: criteria provided, single submitter. Criteria: Invitae Variant Classification Sherloc (09022015). Collection method: clinical testing. Allele origin: germline.
Comment: This sequence change replaces serine, which is neutral and polar, with asparagine, which is neutral and polar, at codon 344 of the ELP1 protein (p.Ser344Asn). This variant is present in population databases (rs374294411, gnomAD 0.0009%). This variant has not been reported in the literature in individuals affected with ELP1-related conditions. Algorithms developed to predict the effect of missense changes on protein structure and function output the following: SIFT: "Tolerated"; PolyPhen-2: "Benign"; Align-GVGD: "Class C0". The asparagine amino acid residue is found in multiple mammalian species, which suggests that this missense change does not adversely affect protein function. In summary, the available evidence is currently insufficient to determine the role of this variant in disease. Therefore, it has been classified as a Variant of Uncertain Significance.

NM_003640.5(ELP1):c.1031G>A (p.Ser344Asn)

Gene: ELP1 (elongator acetyltransferase complex subunit 1; minus strand). Cytogenetic location: 9q31.3.
Variant type: single nucleotide variant.
Coding change: c.1031G>A on transcript NM_003640.5 (MANE Select); coding-DNA position 1031, G replaced by A.
Protein change: p.Ser344Asn; replaces serine 344 with asparagine.
Molecular consequence: missense variant. On other transcripts: 5 prime UTR variant (1).
Genome position (GRCh38, 1-based): chr9:108,912,422, C>T on the plus strand (G>A on the coding strand, the complement: ELP1 is on the minus strand). VCF-style: chr9-108912422-C-T. GRCh37 (hg19) VCF-style: chr9-111674702-C-T.
Other names: c.689G>A, p.Ser230Asn (NM_001318360.2); c.-17G>A (NM_001330749.2); short protein forms S344N, S230N.
Identifiers: ClinVar variation 1483576 (VCV001483576.5), dbSNP rs374294411, ClinGen allele CA5175147.